The following is an entry in ClinVar:

ClinVar aggregate classification (germline): Uncertain significance. Review status: criteria provided, multiple submitters, no conflicts (2 of 4 stars). 2 submissions from 2 submitters: Uncertain significance (2). Last evaluated 2022-03-21.

Conditions:
Oocyte/zygote/embryo maturation arrest 17 (OZEMA17). Identifiers: MedGen C5830418, MONDO:0957220, OMIM 620319.

Allele frequency attached by ClinVar (database versions not stated): gnomAD exomes 0.00008 and 0.00026; gnomAD 0.00012 and 0.00014; 1000 Genomes Project 30x 0.00016; 1000 Genomes Project 0.00020; ExAC 0.00050.
gnomAD v4.1: 137 of 1,550,708 alleles (0.0088%); highest among the groups gnomAD compares: South Asian, 0.039%; 1 homozygote.

Submissions (3):

Revvity Omics, Revvity
Classification: Uncertain significance for Oocyte/zygote/embryo maturation arrest 17. Last evaluated: 2022-03-21. Review status: criteria provided, single submitter. Criteria: ACMG Guidelines, 2015. Collection method: clinical testing. Allele origin: germline.

Labcorp Genetics (formerly Invitae), Labcorp
Classification: Uncertain significance. Last evaluated: 2021-10-25. Review status: criteria provided, single submitter. Criteria: Invitae Variant Classification Sherloc (09022015). Collection method: clinical testing. Allele origin: germline.
Comment: This sequence change creates a premature translational stop signal (p.Arg25*) in the KPNA7 gene. It is expected to result in an absent or disrupted protein product. However, the current clinical and genetic evidence is not sufficient to establish whether loss-of-function variants in KPNA7 cause disease. This variant is present in population databases (rs571947684, ExAC 0.2%). This premature translational stop signal has been observed in individual(s) with clinical features of KPNA7-related conditions (PMID: 29302074). Algorithms developed to predict the effect of sequence changes on RNA splicing suggest that this variant may create or strengthen a splice site. In summary, the available evidence is currently insufficient to determine the role of this variant in disease. Therefore, it has been classified as a Variant of Uncertain Significance.

Dr. Peter K. Rogan Lab, Western University
No classification provided (evidence only). Condition: Familial cancer of breast. Review status: no classification provided. Collection method: in vitro. Allele origin: not applicable. Functional consequence: retained intron. Not counted in ClinVar's aggregate classification.

Literature cited by the submitters: PubMed 29302074 (cited by Labcorp Genetics (formerly Invitae), Labcorp).

NM_001145715.3(KPNA7):c.73C>T (p.Arg25Ter)

Gene: KPNA7 (karyopherin subunit alpha 7; minus strand). Cytogenetic location: 7q22.1.
Variant type: single nucleotide variant.
Coding change: c.73C>T on transcript NM_001145715.3 (MANE Select); coding-DNA position 73, C replaced by T.
Protein change: p.Arg25Ter; replaces arginine 25 with a stop codon.
Molecular consequence: nonsense.
Genome position (GRCh38, 1-based): chr7:99,203,234, G>A on the plus strand (C>T on the coding strand, the complement: KPNA7 is on the minus strand). VCF-style: chr7-99203234-G-A. GRCh37 (hg19) VCF-style: chr7-98800857-G-A.
Other names: c.73C>T (NM_001145715.2); short protein forms R25*.
Identifiers: ClinVar variation 1371946 (VCV001371946.6), dbSNP rs571947684, ClinGen allele CA4363300.